The following is an entry in ClinVar:

NM_001165963.4(SCN1A):c.695-18T>C

Gene: SCN1A (sodium voltage-gated channel alpha subunit 1; minus strand). Cytogenetic location: 2q24.3.
Variant type: single nucleotide variant.
Coding change: c.695-18T>C on transcript NM_001165963.4 (MANE Select); 18 bases into the intron before coding-DNA position 695, T replaced by C.
Molecular consequence: intron variant.
Genome position (GRCh38, 1-based): chr2:166,052,006, A>G on the plus strand (T>C on the coding strand, the complement: SCN1A is on the minus strand). VCF-style: chr2-166052006-A-G. GRCh37 (hg19) VCF-style: chr2-166908516-A-G.
Other names: c.695-18T>C (NM_001353949.2, NM_001353958.2, NM_001353950.2 and 10 more transcripts); c.-1731-18T>C (NM_001353961.2).
Identifiers: ClinVar variation 514104 (VCV000514104.9), dbSNP rs199610378, ClinGen allele CA1943446.

ClinVar aggregate classification (germline): Likely benign. Review status: criteria provided, multiple submitters, no conflicts (2 of 4 stars). 2 submissions from 2 submitters: Likely benign (2). Last evaluated 2025-06-30.

Conditions:
Early-infantile DEE. Also called: Early infantile epileptic encephalopathy with suppression bursts; Ohtahara syndrome; Early infantile epileptic encephalopathy. Identifiers: Orphanet 1934, MedGen C0393706, MONDO:0800491.

Allele frequency attached by ClinVar (database versions not stated): ExAC 0.00002; gnomAD exomes 0.00004 and 0.00008; gnomAD 0.00006 and 0.00007; TOPMed 0.00008; ESP Exome Variant Server 0.00023.
gnomAD v4.1: 140 of 1,604,962 alleles (0.0087%); highest among the groups gnomAD compares: Non-Finnish European, 0.011%; no homozygotes.

Submissions (2):

Labcorp Genetics (formerly Invitae), Labcorp
Classification: Likely benign for Early-infantile DEE. Last evaluated: 2025-06-30. Review status: criteria provided, single submitter. Criteria: Invitae Variant Classification Sherloc (09022015). Collection method: clinical testing. Allele origin: germline.

GeneDx
Classification: Likely benign. Last evaluated: 2017-12-18. Review status: criteria provided, single submitter. Criteria: GeneDx Variant Classification (06012015). Collection method: clinical testing. Allele origin: germline. Affected: yes.
Comment: This variant is considered likely benign or benign based on one or more of the following criteria: it is a conservative change, it occurs at a poorly conserved position in the protein, it is predicted to be benign by multiple in silico algorithms, and/or has population frequency not consistent with disease.